The following is an entry in ClinVar:

ClinVar aggregate classification (germline): Uncertain significance. Review status: criteria provided, multiple submitters, no conflicts (2 of 4 stars). 2 submissions from 2 submitters: Uncertain significance (2). Last evaluated 2024-05-15.

Conditions:
Meckel syndrome, type 5 (MKS5). Identifiers: Orphanet 564, MedGen C1969052, MONDO:0012695, OMIM 611561.
Joubert syndrome 7 (JBTS7). Identifiers: Orphanet 220497, MedGen C1969053, MONDO:0012694, OMIM 611560.
COACH syndrome 3. Identifiers: MedGen C5436841, MONDO:0030862, OMIM 619113.
Joubert syndrome. Also called: CEREBELLOPARENCHYMAL DISORDER IV; JOUBERT-BOLTSHAUSER SYNDROME; Familial aplasia of the vermis. Identifiers: Orphanet 475, MedGen C5979921, MONDO:0018772.
Meckel-Gruber syndrome. Also called: DYSENCEPHALIA SPLANCHNOCYSTICA; GRUBER SYNDROME; Dysencephalia splachnocystica. Identifiers: Orphanet 564, MedGen C0265215, MONDO:0018921.

Allele frequency attached by ClinVar (database versions not stated): TOPMed below 0.00001.

Submissions (2):

Labcorp Genetics (formerly Invitae), Labcorp
Classification: Uncertain significance for Joubert syndrome; Meckel-Gruber syndrome. Last evaluated: 2024-05-15. Review status: criteria provided, single submitter. Criteria: Invitae Variant Classification Sherloc (09022015). Collection method: clinical testing. Allele origin: germline.
Comment: This sequence change replaces proline, which is neutral and non-polar, with serine, which is neutral and polar, at codon 1104 of the RPGRIP1L protein (p.Pro1104Ser). The frequency data for this variant in the population databases is considered unreliable, as metrics indicate poor data quality at this position in the gnomAD database. This variant has not been reported in the literature in individuals affected with RPGRIP1L-related conditions. An algorithm developed to predict the effect of missense changes on protein structure and function (PolyPhen-2) suggests that this variant is likely to be disruptive. In summary, the available evidence is currently insufficient to determine the role of this variant in disease. Therefore, it has been classified as a Variant of Uncertain Significance.

Fulgent Genetics
Classification: Uncertain significance for Joubert syndrome 7; Meckel syndrome, type 5; COACH syndrome 3. Last evaluated: 2024-02-14. Review status: criteria provided, single submitter. Criteria: ACMG Guidelines, 2015. Collection method: clinical testing. Allele origin: germline.

NM_015272.5(RPGRIP1L):c.3310C>T (p.Pro1104Ser)

Gene: RPGRIP1L (RPGRIP1 like; minus strand). Cytogenetic location: 16q12.2.
Variant type: single nucleotide variant.
Coding change: c.3310C>T on transcript NM_015272.5 (MANE Select); coding-DNA position 3310, C replaced by T.
Protein change: p.Pro1104Ser; replaces proline 1104 with serine.
Molecular consequence: missense variant. On other transcripts: intron variant (2).
Genome position (GRCh38, 1-based): chr16:53,622,341, G>A on the plus strand (C>T on the coding strand, the complement: RPGRIP1L is on the minus strand). VCF-style: chr16-53622341-G-A. GRCh37 (hg19) VCF-style: chr16-53656253-G-A.
Other names: c.3208C>T, p.Pro1070Ser (NM_001330538.2); c.3193-3133C>T (NM_001127897.4); c.3295-3133C>T (NM_001308334.3); short protein forms P1104S, P1070S.
Identifiers: ClinVar variation 2926214 (VCV002926214.4), dbSNP rs772561197, ClinGen allele CA281358366.